The following is an entry in ClinVar:

NM_032608.7(MYO18B):c.524C>G (p.Ala175Gly)

Gene: MYO18B (myosin XVIIIB; plus strand). Cytogenetic location: 22q12.1.
Variant type: single nucleotide variant.
Coding change: c.524C>G on transcript NM_032608.7 (MANE Select); coding-DNA position 524, C replaced by G.
Protein change: p.Ala175Gly; replaces alanine 175 with glycine.
Molecular consequence: missense variant.
Genome position (GRCh38, 1-based): chr22:25,768,440, C>G. VCF-style: chr22-25768440-C-G. GRCh37 (hg19) VCF-style: chr22-26164407-C-G.
Other names: c.524C>G, p.Ala175Gly (NM_001318245.2); short protein forms A175G.
Identifiers: ClinVar variation 1981071 (VCV001981071.1), dbSNP rs563679638, ClinGen allele CA10159614.

ClinVar aggregate classification (germline): Uncertain significance (1 of 4 stars; one submission).

Allele frequency attached by ClinVar (database versions not stated): TOPMed 0.00001.
gnomAD v4.1: 10 of 1,309,524 alleles (0.00076%); highest among the groups gnomAD compares: South Asian, 0.0012%; no homozygotes.

Submission:

Labcorp Genetics (formerly Invitae), Labcorp
Classification: Uncertain significance. Last evaluated: 2022-06-07. Review status: criteria provided, single submitter. Criteria: Invitae Variant Classification Sherloc (09022015). Collection method: clinical testing. Allele origin: germline.
Comment: This sequence change replaces alanine, which is neutral and non-polar, with glycine, which is neutral and non-polar, at codon 175 of the MYO18B protein (p.Ala175Gly). This variant is present in population databases (rs563679638, gnomAD 0.004%). This variant has not been reported in the literature in individuals affected with MYO18B-related conditions. Algorithms developed to predict the effect of missense changes on protein structure and function output the following: SIFT: "Not Available"; PolyPhen-2: "Benign"; Align-GVGD: "Not Available". The glycine amino acid residue is found in multiple mammalian species, which suggests that this missense change does not adversely affect protein function. In summary, the available evidence is currently insufficient to determine the role of this variant in disease. Therefore, it has been classified as a Variant of Uncertain Significance.